The following is an entry in ClinVar:

NM_000088.4(COL1A1):c.818T>C (p.Leu273Ser)

Genes: COL1A1 (collagen type I alpha 1 chain; minus strand), LOC126862586 (CDK7 strongly-dependent group 2 enhancer GRCh37_chr17:48273702-48274901; plus strand). Cytogenetic location: 17q21.33.
Variant type: single nucleotide variant.
Coding change: c.818T>C on transcript NM_000088.4 (MANE Select); coding-DNA position 818, T replaced by C.
Protein change: p.Leu273Ser; replaces leucine 273 with serine.
Molecular consequence: missense variant.
Genome position (GRCh38, 1-based): chr17:50,196,657, A>G on the plus strand (T>C on the coding strand, the complement: COL1A1 is on the minus strand). VCF-style: chr17-50196657-A-G. GRCh37 (hg19) VCF-style: chr17-48274018-A-G.
Other names: short protein forms L273S.
Identifiers: ClinVar variation 3607168 (VCV003607168.2).

ClinVar aggregate classification (germline): Uncertain significance (1 of 4 stars; one submission).

Conditions:
Osteogenesis imperfecta type I (OI1). Also called: Classic Non-deforming Osteogenesis Imperfecta with Blue Sclerae; Lobstein's Disease; Lobstein disease; OI, TYPE I; OSTEOGENESIS IMPERFECTA TARDA; OSTEOGENESIS IMPERFECTA WITH BLUE SCLERAE. Identifiers: Orphanet 216796, Orphanet 666, MedGen C0023931, MONDO:0008146, OMIM 166200. Disease mechanism: loss of function.

Submission:

Labcorp Genetics (formerly Invitae), Labcorp
Classification: Uncertain significance for Osteogenesis imperfecta type I. Last evaluated: 2024-12-23. Review status: criteria provided, single submitter. Criteria: Invitae Variant Classification Sherloc (09022015). Collection method: clinical testing. Allele origin: germline.
Comment: This sequence change replaces leucine, which is neutral and non-polar, with serine, which is neutral and polar, at codon 273 of the COL1A1 protein (p.Leu273Ser). This variant is not present in population databases (gnomAD no frequency). This variant has not been reported in the literature in individuals affected with COL1A1-related conditions. Invitae Evidence Modeling of protein sequence and biophysical properties (such as structural, functional, and spatial information, amino acid conservation, physicochemical variation, residue mobility, and thermodynamic stability) indicates that this missense variant is expected to disrupt COL1A1 protein function with a positive predictive value of 80%. In summary, the available evidence is currently insufficient to determine the role of this variant in disease. Therefore, it has been classified as a Variant of Uncertain Significance.